The following is an entry in ClinVar:

NM_000218.3(KCNQ1):c.1417del (p.Glu473fs)

Genes: KCNQ1 (potassium voltage-gated channel subfamily Q member 1; plus strand), KCNQ1OT1 (KCNQ1 opposite strand/antisense transcript 1; minus strand). Cytogenetic location: 11p15.5.
Variant type: Deletion.
Coding change: c.1417del on transcript NM_000218.3 (MANE Select); coding-DNA position 1417, one base deleted (G; older notation c.1417delG).
Protein change: p.Glu473fs; shifts the reading frame from glutamic acid 473.
Molecular consequence: frameshift variant. On other transcripts: non-coding transcript variant (1).
Genome position (GRCh38, 1-based): chr11:2,661,984, G deleted; the last of 2 consecutive G bases (chr11:2,661,983-2,661,984); deleting either gives the same sequence. VCF-style (leftmost placement, unchanged base first): chr11-2661982-TG-T. GRCh37 (hg19) VCF-style: chr11-2683212-TG-T.
Other names: c.1321del, p.Glu441fs (NM_001406836.1); c.1147del, p.Glu383fs (NM_001406837.1); c.877del, p.Glu293fs (NM_001406838.1); c.1036del, p.Glu346fs (NM_181798.2); short protein forms E293fs, E346fs, E383fs, E441fs, E473fs.
Identifiers: ClinVar variation 4858665 (VCV004858665.1).

ClinVar aggregate classification (germline): Pathogenic (1 of 4 stars; one submission).

Conditions:
Cardiovascular phenotype. Identifiers: MedGen CN230736.

Submission:

Ambry Genetics
Classification: Pathogenic for Cardiovascular phenotype. Last evaluated: 2026-04-14. Review status: criteria provided, single submitter. Criteria: Ambry Variant Classification Scheme 2023. Collection method: clinical testing. Allele origin: germline.
Comment: The c.1417delG pathogenic mutation, located in coding exon 11 of the KCNQ1 gene, results from a deletion of one nucleotide at nucleotide position 1417, causing a translational frameshift with a predicted alternate stop codon (p.E473Kfs*2). This variant is considered to be rare based on population cohorts in the Genome Aggregation Database (gnomAD). This alteration is expected to result in loss of function by premature protein truncation or nonsense-mediated mRNA decay. As such, this alteration is interpreted as a disease-causing mutation.

Literature cited by the submitters: PubMed 31696929.